The following is an entry in ClinVar:

NM_000092.5(COL4A4):c.3955G>T (p.Gly1319Ter)

Gene: COL4A4 (collagen type IV alpha 4 chain; minus strand). Cytogenetic location: 2q36.3.
Variant type: single nucleotide variant.
Coding change: c.3955G>T on transcript NM_000092.5 (MANE Select); coding-DNA position 3955, G replaced by T.
Protein change: p.Gly1319Ter; replaces glycine 1319 with a stop codon.
Molecular consequence: nonsense.
Genome position (GRCh38, 1-based): chr2:227,030,461, C>A on the plus strand (G>T on the coding strand, the complement: COL4A4 is on the minus strand). VCF-style: chr2-227030461-C-A. GRCh37 (hg19) VCF-style: chr2-227895177-C-A.
Other names: short protein forms G1319*.
Identifiers: ClinVar variation 2806606 (VCV002806606.3), dbSNP rs2473272832, ClinGen allele CA350837199.

ClinVar aggregate classification (germline): Pathogenic (1 of 4 stars; one submission).

gnomAD v4.1: 3 of 1,614,108 alleles (0.00019%); highest among the groups gnomAD compares: South Asian, 0.0022%; no homozygotes.

Submission:

Labcorp Genetics (formerly Invitae), Labcorp
Classification: Pathogenic. Last evaluated: 2024-02-09. Review status: criteria provided, single submitter. Criteria: Invitae Variant Classification Sherloc (09022015). Collection method: clinical testing. Allele origin: germline.
Comment: This sequence change creates a premature translational stop signal (p.Gly1319*) in the COL4A4 gene. It is expected to result in an absent or disrupted protein product. Loss-of-function variants in COL4A4 are known to be pathogenic (PMID: 21196518, 24854265, 25307543). This variant is not present in population databases (gnomAD no frequency). This variant has not been reported in the literature in individuals affected with COL4A4-related conditions. For these reasons, this variant has been classified as Pathogenic.

Literature cited by the submitters: PubMed 21196518; PubMed 24854265; PubMed 25307543.